The following is an entry in ClinVar:

NM_000026.4(ADSL):c.31G>C (p.Asp11His)

Gene: ADSL (adenylosuccinate lyase; plus strand). Cytogenetic location: 22q13.1.
Variant type: single nucleotide variant.
Coding change: c.31G>C on transcript NM_000026.4 (MANE Select); coding-DNA position 31, G replaced by C.
Protein change: p.Asp11His; replaces aspartic acid 11 with histidine.
Molecular consequence: missense variant. On other transcripts: 5 prime UTR variant (1), non-coding transcript variant (1).
Genome position (GRCh38, 1-based): chr22:40,346,589, G>C. VCF-style: chr22-40346589-G-C. GRCh37 (hg19) VCF-style: chr22-40742593-G-C.
Other names: c.31G>C, p.Asp11His (NM_001123378.3, NM_001363840.3); c.-107G>C (NM_001317923.2); short protein forms D11H.
Identifiers: ClinVar variation 1502607 (VCV001502607.8), dbSNP rs761759515, ClinGen allele CA411632614.

ClinVar aggregate classification (germline): Uncertain significance (1 of 4 stars; one submission).

Conditions:
Adenylosuccinate lyase deficiency (ADSLD). Also called: ADSL DEFICIENCY. Identifiers: Orphanet 46, MedGen C0268126, MONDO:0007068, OMIM 103050.

gnomAD v4.1: 5 of 1,606,264 alleles (0.00031%); highest among the groups gnomAD compares: Non-Finnish European, 0.00042%; no homozygotes.

Submission:

Labcorp Genetics (formerly Invitae), Labcorp
Classification: Uncertain significance for Adenylosuccinate lyase deficiency. Last evaluated: 2021-01-14. Review status: criteria provided, single submitter. Criteria: Invitae Variant Classification Sherloc (09022015). Collection method: clinical testing. Allele origin: germline.
Comment: In summary, the available evidence is currently insufficient to determine the role of this variant in disease. Therefore, it has been classified as a Variant of Uncertain Significance. Advanced modeling of protein sequence and biophysical properties (such as structural, functional, and spatial information, amino acid conservation, physicochemical variation, residue mobility, and thermodynamic stability) performed at Invitae indicates that this missense variant is not expected to disrupt ADSL protein function. This variant has not been reported in the literature in individuals with ADSL-related conditions. This variant is not present in population databases (ExAC no frequency). This sequence change replaces aspartic acid with histidine at codon 11 of the ADSL protein (p.Asp11His). The aspartic acid residue is weakly conserved and there is a moderate physicochemical difference between aspartic acid and histidine.